The following is an entry in ClinVar:

ClinVar aggregate classification (germline): Likely pathogenic (1 of 4 stars; one submission).

Conditions:
Mitochondrial complex I deficiency, nuclear type 5. Also called: Mitochondrial complex 1 deficiency, nuclear type 5. Identifiers: MedGen C4748754, MONDO:0032610, OMIM 618226.

Submission:

Juno Genomics, Hangzhou Juno Genomics, Inc
Classification: Likely pathogenic for Mitochondrial complex I deficiency, nuclear type 5. Review status: criteria provided, single submitter. Criteria: ACMG Guidelines, 2015. Collection method: clinical testing. Allele origin: germline.
Comment: Null variant in a gene where loss of function (LOF) is a known mechanism of disease.;Absent from controls (or at extremely low frequency if recessive) in Genome Aggregation Database.

NM_005006.7(NDUFS1):c.900_901del (p.Arg301fs)

Gene: NDUFS1 (NADH:ubiquinone oxidoreductase core subunit S1; minus strand). Cytogenetic location: 2q33.3.
Variant type: Deletion.
Coding change: c.900_901del on transcript NM_005006.7 (MANE Select); coding-DNA positions 900 to 901, 2 bases deleted (AA; older notation c.900_901delAA).
Protein change: p.Arg301fs; shifts the reading frame from arginine 301.
Molecular consequence: frameshift variant.
Genome position (GRCh38, 1-based): chr2:206,144,104-206,144,105, TT deleted on the plus strand (AA on the coding strand, the reverse complement: NDUFS1 is on the minus strand); deleting any 2 consecutive bases within chr2:206,144,104-206,144,106 gives the same sequence; the c. name uses the placement nearest the transcript's 3' end. VCF-style (leftmost placement, unchanged base first): chr2-206144103-CTT-C. GRCh37 (hg19) VCF-style: chr2-207008827-CTT-C.
Other names: c.792_793del, p.Arg265fs (NM_001199981.2); c.567_568del, p.Arg190fs (NM_001199982.2); c.729_730del, p.Arg244fs (NM_001199983.2); c.942_943del, p.Arg315fs (NM_001199984.2); short protein forms R190fs, R301fs, R244fs, R315fs, R265fs.
Identifiers: ClinVar variation 5006194 (VCV005006194.2).
Genomic context (GRCh38, chr2:206,144,103, plus strand): 5'-TCCTCCCAAGAAGTATAGGTTAAAAGCCCTTTTTCATTTCTGACCATTGGCTCGGTAAGT[CTT>C]TGACGTTTTAGCCCATCATAGGCAAATCTAGAAAACAGAAATTACACCATTGTGGAATCT-3'